The following is an entry in ClinVar:

NM_001164508.2(NEB):c.1152+6T>C

Gene: NEB (nebulin; minus strand). Cytogenetic location: 2q23.3.
Variant type: single nucleotide variant.
Coding change: c.1152+6T>C on transcript NM_001164508.2 (MANE Select); 6 bases into the intron after coding-DNA position 1152, T replaced by C.
Molecular consequence: intron variant.
Genome position (GRCh38, 1-based): chr2:151,706,875, A>G on the plus strand (T>C on the coding strand, the complement: NEB is on the minus strand). VCF-style: chr2-151706875-A-G. GRCh37 (hg19) VCF-style: chr2-152563389-A-G.
Other names: c.1152+6T>C (NM_004543.5, NM_001164507.2, NM_001271208.2).
Identifiers: ClinVar variation 2146629 (VCV002146629.1), dbSNP rs1269306046, ClinGen allele CA536646640.
Genomic context (GRCh38, chr2:151,706,875, plus strand): 5'-AAAGGAGAAAATTTTCATCTCTTTTGCAGCTAAGGTTTAAAAACACTTTGACAAAAATAT[A>G]CTTACGTCACTTAGGGCATCTCCTGCTGCCTTCAGCTGCCTAAGCTGTGGGTTCTCTGAA-3'

ClinVar aggregate classification (germline): Uncertain significance (1 of 4 stars; one submission).

Conditions:
Nemaline myopathy 2 (NEM2). Also called: Nemaline myopathy 2, autosomal recessive. Identifiers: MedGen C1850569, MONDO:0009725, OMIM 256030.

Submission:

Labcorp Genetics (formerly Invitae), Labcorp
Classification: Uncertain significance for Nemaline myopathy 2. Last evaluated: 2021-06-02. Review status: criteria provided, single submitter. Criteria: Invitae Variant Classification Sherloc (09022015). Collection method: clinical testing. Allele origin: germline.
Comment: This sequence change falls in intron 13 of the NEB gene. It does not directly change the encoded amino acid sequence of the NEB protein. It affects a nucleotide within the consensus splice site of the intron. This variant is not present in population databases (ExAC no frequency). This variant has not been reported in the literature in individuals with NEB-related conditions. Nucleotide substitutions within the consensus splice site are a relatively common cause of aberrant splicing (PMID: 17576681, 9536098). Algorithms developed to predict the effect of sequence changes on RNA splicing suggest that this variant may disrupt the consensus splice site, but this prediction has not been confirmed by published transcriptional studies. In summary, the available evidence is currently insufficient to determine the role of this variant in disease. Therefore, it has been classified as a Variant of Uncertain Significance.

Literature cited by the submitters: PubMed 17576681; PubMed 9536098.